The following is an entry in ClinVar:

ClinVar aggregate classification (germline): Uncertain significance (1 of 4 stars; one submission).

Conditions:
Primary ciliary dyskinesia. Also called: Ciliary dyskinesia. Identifiers: Orphanet 244, MedGen C0008780, MONDO:0016575, HP:0012265.

Allele frequency attached by ClinVar (database versions not stated): TOPMed below 0.00001.
gnomAD v4.1: 1 of 1,613,800 alleles (0.000062%); highest among the groups gnomAD compares: Non-Finnish European, 0.000085%; no homozygotes.

Submission:

Labcorp Genetics (formerly Invitae), Labcorp
Classification: Uncertain significance for Primary ciliary dyskinesia. Last evaluated: 2018-11-03. Review status: criteria provided, single submitter. Criteria: Invitae Variant Classification Sherloc (09022015). Collection method: clinical testing. Allele origin: germline.
Comment: This sequence change replacesÂ¬â€ asparagineÂ¬â€ withÂ¬â€ serineÂ¬â€ at codon 1032 of the DNAH11 protein (p.Asn1032Ser). TheÂ¬â€ asparagineÂ¬â€ residue is weakly conserved and there is a small physicochemical difference betweenÂ¬â€ asparagineÂ¬â€ andÂ¬â€ serine. This variant is not present in population databases (ExAC no frequency). This variant has not been reported in the literature in individuals with DNAH11-related disease. Algorithms developed to predict the effect of missense changes on protein structure and function output the following: SIFT: "Tolerated"; PolyPhen-2: "Benign"; Align-GVGD: "Class C0". TheÂ¬â€ serineÂ¬â€ amino acid residue is found in multiple mammalian species, suggesting that this missense change does not adversely affect protein function. These predictions have not been confirmed by published functional studies and their clinical significance is uncertain. In summary, the available evidence is currently insufficient to determine the role of this variant in disease. Therefore, it has been classified as a Variant of Uncertain Significance.

NM_001277115.2(DNAH11):c.3095A>G (p.Asn1032Ser)

Genes: DNAH11 (dynein axonemal heavy chain 11; plus strand), LOC126859961 (BRD4-independent group 4 enhancer GRCh37_chr7:21639662-21640861; plus strand). Cytogenetic location: 7p15.3.
Variant type: single nucleotide variant.
Coding change: c.3095A>G on transcript NM_001277115.2 (MANE Select); coding-DNA position 3095, A replaced by G.
Protein change: p.Asn1032Ser; replaces asparagine 1032 with serine.
Molecular consequence: missense variant.
Genome position (GRCh38, 1-based): chr7:21,600,770, A>G. VCF-style: chr7-21600770-A-G. GRCh37 (hg19) VCF-style: chr7-21640388-A-G.
Other names: short protein forms N1032S.
Identifiers: ClinVar variation 650243 (VCV000650243.1), dbSNP rs1583517157, ClinGen allele CA366945098.
Genomic context (GRCh38, chr7:21,600,770, plus strand): 5'-TCAGGCAGGAGATCATGAACAGAGTGGTGAATGTCATCAACAAAGTCTTAGATTTCAGAA[A>G]CACCCTGGAGACCCACACTTACCTCTGGGTGGATGATCGAGCTGAGTTTATGAAGCATTT-3'
Protein context (NP_001264044.1, residues 1022-1042): NVINKVLDFR[Asn1032Ser]TLETHTYLWV